The following is an entry in ClinVar:

ClinVar aggregate classification (germline): Likely pathogenic (1 of 4 stars; one submission).

Conditions:
Cerebellar dysfunction with variable cognitive and behavioral abnormalities (CECBA). Also called: Nonprogressive cerebellar atxia with intellectual disability. Identifiers: Orphanet 314647, MedGen C3553661, MONDO:0013886, OMIM 614756.

Submission:

Groupe Hospitalier Pitie Salpetriere, Uf Genomique Du Developpement, Assistance Publique Hopitaux de Paris Sorbonne Université
Classification: Likely pathogenic for Cerebellar ataxia, nonprogressive, with mental retardation. Last evaluated: 2017-01-06. Review status: criteria provided, single submitter. Criteria: ACMG Guidelines, 2015. Collection method: clinical testing. Allele origin: de novo. Affected: yes. Observed: 1 variant allele.
Comment: ASD with Intellectual disability

Literature cited by the submitters: PubMed 24738973; PubMed 28708303.

NM_015215.4(CAMTA1):c.2863C>T (p.Arg955Trp)

Gene: CAMTA1 (calmodulin binding transcription activator 1; plus strand). Cytogenetic location: 1p36.23.
Variant type: single nucleotide variant.
Coding change: c.2863C>T on transcript NM_015215.4 (MANE Select); coding-DNA position 2863, C replaced by T.
Protein change: p.Arg955Trp; replaces arginine 955 with tryptophan.
Molecular consequence: missense variant. On other transcripts: 5 prime UTR variant (6).
Genome position (GRCh38, 1-based): chr1:7,677,682, C>T. VCF-style: chr1-7677682-C-T. GRCh37 (hg19) VCF-style: chr1-7737742-C-T.
Other names: c.2773C>T, p.Arg925Trp (NM_001349608.2, NM_001349612.2); c.2863C>T, p.Arg955Trp (NM_001349609.2, NM_001349610.2); c.-66C>T (NM_001349614.1, NM_001349617.1, NM_001349620.1 and 3 more transcripts); short protein forms R955W, R925W.
Identifiers: ClinVar variation 431151 (VCV000431151.3), dbSNP rs1135401818, ClinGen allele CA338124927.